The following is an entry in ClinVar:

ClinVar aggregate classification (germline): Uncertain significance (1 of 4 stars; one submission).

Conditions:
Familial adenomatous polyposis 1 (FAP1). Also called: FAMILIAL ADENOMATOUS POLYPOSIS 1, ATTENUATED; POLYPOSIS, ADENOMATOUS INTESTINAL. Identifiers: MedGen C2713442, MONDO:0021056, OMIM 175100. Disease mechanism: loss of function.

Submission:

Labcorp Genetics (formerly Invitae), Labcorp
Classification: Uncertain significance for Familial adenomatous polyposis 1. Last evaluated: 2025-07-30. Review status: criteria provided, single submitter. Criteria: Invitae Variant Classification Sherloc (09022015). Collection method: clinical testing. Allele origin: germline.
Comment: This variant occurs in a non-coding region of the APC gene. It does not change the encoded amino acid sequence of the APC protein. This variant is not present in population databases (gnomAD no frequency). This variant has not been reported in the literature in individuals affected with APC-related conditions. Experimental studies and prediction algorithms are not available or were not evaluated, and the functional significance of this variant is currently unknown. In summary, the available evidence is currently insufficient to determine the role of this variant in disease. Therefore, it has been classified as a Variant of Uncertain Significance.

NC_000005.10:g.112707492G>A

Genes: APC (APC regulator of Wnt signaling pathway; plus strand), LOC129994371 (ATAC-STARR-seq lymphoblastoid active region 22910; plus strand). Cytogenetic location: 5q22.2.
Variant type: single nucleotide variant.
Genome position: GRCh38 VCF-style: chr5-112707492-G-A. GRCh37 (hg19) VCF-style: chr5-112043189-G-A.
Identifiers: ClinVar variation 4802783 (VCV004802783.1).